The following is an entry in ClinVar:

ClinVar aggregate classification (germline): Uncertain significance (1 of 4 stars; one submission).

Conditions:
Candidiasis, familial, 9 (CANDF9). Identifiers: Orphanet 1334, MedGen C4225324, MONDO:0014642, OMIM 616445.

Submission:

Labcorp Genetics (formerly Invitae), Labcorp
Classification: Uncertain significance for Candidiasis, familial, 9. Last evaluated: 2023-05-12. Review status: criteria provided, single submitter. Criteria: Invitae Variant Classification Sherloc (09022015). Collection method: clinical testing. Allele origin: germline.
Comment: This sequence change replaces leucine, which is neutral and non-polar, with glutamine, which is neutral and polar, at codon 600 of the IL17RC protein (p.Leu600Gln). In summary, the available evidence is currently insufficient to determine the role of this variant in disease. Therefore, it has been classified as a Variant of Uncertain Significance. An algorithm developed to predict the effect of missense changes on protein structure and function (PolyPhen-2) suggests that this variant is likely to be disruptive. This variant has not been reported in the literature in individuals affected with IL17RC-related conditions. This variant is not present in population databases (gnomAD no frequency).

NM_153460.4(IL17RC):c.1586T>A (p.Leu529Gln)

Gene: IL17RC (interleukin 17 receptor C; plus strand). Cytogenetic location: 3p25.3.
Variant type: single nucleotide variant.
Coding change: c.1586T>A on transcript NM_153460.4 (MANE Select); coding-DNA position 1586, T replaced by A.
Protein change: p.Leu529Gln; replaces leucine 529 with glutamine.
Molecular consequence: missense variant. On other transcripts: non-coding transcript variant (1).
Genome position (GRCh38, 1-based): chr3:9,933,016, T>A. VCF-style: chr3-9933016-T-A. GRCh37 (hg19) VCF-style: chr3-9974700-T-A.
Other names: c.1547T>A, p.Leu516Gln (NM_001203263.2); c.1496T>A, p.Leu499Gln (NM_001203264.2); c.1490T>A, p.Leu497Gln (NM_001203265.2); c.1508T>A, p.Leu503Gln (NM_001367278.1); c.1427T>A, p.Leu476Gln (NM_001367279.1); c.1502T>A, p.Leu501Gln (NM_001367280.1); c.1451T>A, p.Leu484Gln (NM_001410711.1); c.1541T>A, p.Leu514Gln (NM_032732.6); and 1 more; short protein forms L476Q, L514Q, L484Q, L499Q, L503Q, L516Q, L501Q, L529Q.
Identifiers: ClinVar variation 2860558 (VCV002860558.3), dbSNP rs760137655, ClinGen allele CA351704648.